The following is an entry in ClinVar:

ClinVar aggregate classification (germline): Uncertain significance (1 of 4 stars; one submission).

Conditions:
Desmin-related myofibrillar myopathy (MFM1). Also called: Myofibrillar myopathy 1; Desminopathy; Desmin related myopathy (former name); Desmin storage myopathy (former name); MYOFIBRILLAR MYOPATHY WITH ARRHYTHMOGENIC RIGHT VENTRICULAR CARDIOMYOPATHY; DESMIN-RELATED MYOPATHY WITH ARRHYTHMOGENIC RIGHT VENTRICULAR CARDIOMYOPATHY. Identifiers: Orphanet 363543, Orphanet 98909, MedGen C1832370, MONDO:0011076, OMIM 601419.

Allele frequency attached by ClinVar (database versions not stated): gnomAD exomes 0.00001.
gnomAD v4.1: 13 of 1,603,730 alleles (0.00081%); highest among the groups gnomAD compares: African/African-American, 0.0014%; no homozygotes.

Submission:

Labcorp Genetics (formerly Invitae), Labcorp
Classification: Uncertain significance for Desmin-related myofibrillar myopathy. Last evaluated: 2020-08-29. Review status: criteria provided, single submitter. Criteria: Invitae Variant Classification Sherloc (09022015). Collection method: clinical testing. Allele origin: germline.
Comment: In summary, the available evidence is currently insufficient to determine the role of this variant in disease. Therefore, it has been classified as a Variant of Uncertain Significance. Algorithms developed to predict the effect of missense changes on protein structure and function are either unavailable or do not agree on the potential impact of this missense change (SIFT: "Tolerated"; PolyPhen-2: "Possibly Damaging"; Align-GVGD: "Class C0"). This variant has not been reported in the literature in individuals with DES-related conditions. This variant is not present in population databases (ExAC no frequency). This sequence change replaces threonine with asparagine at codon 17 of the DES protein (p.Thr17Asn). The threonine residue is highly conserved and there is a small physicochemical difference between threonine and asparagine.

NM_001927.4(DES):c.50C>A (p.Thr17Asn)

Gene: DES (desmin; plus strand). Cytogenetic location: 2q35.
Variant type: single nucleotide variant.
Coding change: c.50C>A on transcript NM_001927.4 (MANE Select); coding-DNA position 50, C replaced by A.
Protein change: p.Thr17Asn; replaces threonine 17 with asparagine.
Molecular consequence: missense variant.
Genome position (GRCh38, 1-based): chr2:219,418,512, C>A. VCF-style: chr2-219418512-C-A. GRCh37 (hg19) VCF-style: chr2-220283234-C-A.
Other names: c.50C>A, p.Thr17Asn (NM_001382708.1, NM_001382709.1, NM_001382710.1 and 3 more transcripts); short protein forms T17N.
Identifiers: ClinVar variation 1036431 (VCV001036431.9), dbSNP rs1954360300, ClinGen allele CA350682384.